The following is an entry in ClinVar:

ClinVar aggregate classification (germline): Uncertain significance (1 of 4 stars; one submission).

Conditions:
Cardiovascular phenotype. Identifiers: MedGen CN230736.

Submission:

Ambry Genetics
Classification: Uncertain significance for Cardiovascular phenotype. Last evaluated: 2025-09-28. Review status: criteria provided, single submitter. Criteria: Ambry Variant Classification Scheme 2023. Collection method: clinical testing. Allele origin: germline.
Comment: The p.N981H variant (also known as c.2941A>C), located in coding exon 15 of the DSG2 gene, results from an A to C substitution at nucleotide position 2941. The asparagine at codon 981 is replaced by histidine, an amino acid with similar properties. This amino acid position is conserved. In addition, this alteration is predicted to be tolerated by in silico analysis. Based on the available evidence, the clinical significance of this variant remains unclear.

NM_001943.5(DSG2):c.2941A>C (p.Asn981His)

Genes: DSG2 (desmoglein 2; plus strand), DSG2-AS1 (DSG2 antisense RNA 1; minus strand). Cytogenetic location: 18q12.1.
Variant type: single nucleotide variant.
Coding change: c.2941A>C on transcript NM_001943.5 (MANE Select); coding-DNA position 2941, A replaced by C.
Protein change: p.Asn981His; replaces asparagine 981 with histidine.
Molecular consequence: missense variant.
Genome position (GRCh38, 1-based): chr18:31,546,327, A>C. VCF-style: chr18-31546327-A-C. GRCh37 (hg19) VCF-style: chr18-29126290-A-C.
Other names: short protein forms N981H.
Identifiers: ClinVar variation 4614011 (VCV004614011.1).
Genomic context (GRCh38, chr18:31,546,327, plus strand): 5'-CTTATTGTGACAGAGAGGGTGTATGCTCCAGCTTCTACCTTGGTAGATCAGCCTTATGCT[A>C]ATGAAGGTACAGTTGTGGTCACTGAAAGAGTAATACAGCCTCATGGGGGTGGATCGAATC-3'
Protein context (NP_001934.2, residues 971-991): ASTLVDQPYA[Asn981His]EGTVVVTERV